The following is an entry in ClinVar:

ClinVar aggregate classification (germline): Uncertain significance (1 of 4 stars; one submission).

Conditions:
Hereditary cancer-predisposing syndrome. Also called: Tumor predisposition; Neoplastic Syndromes, Hereditary; Hereditary neoplastic syndrome; Hereditary Cancer Syndrome. Identifiers: Orphanet 140162, MedGen C0027672, MeSH D009386, MONDO:0015356.

Submission:

Ambry Genetics
Classification: Uncertain significance for Hereditary cancer-predisposing syndrome. Last evaluated: 2024-09-02. Review status: criteria provided, single submitter. Criteria: Ambry Variant Classification Scheme 2023. Collection method: clinical testing. Allele origin: germline.
Comment: The p.K1516R variant (also known as c.4547A>G), located in coding exon 34 of the TSC2 gene, results from an A to G substitution at nucleotide position 4547. The lysine at codon 1516 is replaced by arginine, an amino acid with highly similar properties. This amino acid position is conserved. In addition, the in silico prediction for this alteration is inconclusive. Based on the available evidence, the clinical significance of this variant remains unclear.

NM_000548.5(TSC2):c.4547A>G (p.Lys1516Arg)

Gene: TSC2 (TSC complex subunit 2; plus strand). Cytogenetic location: 16p13.3.
Variant type: single nucleotide variant.
Coding change: c.4547A>G on transcript NM_000548.5 (MANE Select); coding-DNA position 4547, A replaced by G.
Protein change: p.Lys1516Arg; replaces lysine 1516 with arginine.
Molecular consequence: missense variant. On other transcripts: non-coding transcript variant (5).
Genome position (GRCh38, 1-based): chr16:2,085,004, A>G. VCF-style: chr16-2085004-A-G. GRCh37 (hg19) VCF-style: chr16-2135005-A-G.
Other names: c.4346A>G, p.Lys1449Arg (NM_001077183.3); c.4478A>G, p.Lys1493Arg (NM_001114382.3); c.4238A>G, p.Lys1413Arg (NM_001318827.2); c.4202A>G, p.Lys1401Arg (NM_001318829.2); c.3815A>G, p.Lys1272Arg (NM_001318831.2); c.4379A>G, p.Lys1460Arg (NM_001318832.2); c.4349A>G, p.Lys1450Arg (NM_001363528.2); c.4415A>G, p.Lys1472Arg (NM_001370404.1); and 26 more; short protein forms K1025R, K1400R, K1401R, K1450R, K1473R, K1515R, K1024R, K1250R.
Identifiers: ClinVar variation 3462615 (VCV003462615.1).